The following is an entry in ClinVar:

NM_000179.3(MSH6):c.1834T>A (p.Ser612Thr)

Gene: MSH6 (mutS homolog 6; plus strand). Cytogenetic location: 2p16.3.
Variant type: single nucleotide variant.
Coding change: c.1834T>A on transcript NM_000179.3 (MANE Select); coding-DNA position 1834, T replaced by A.
Protein change: p.Ser612Thr; replaces serine 612 with threonine.
Molecular consequence: missense variant.
Genome position (GRCh38, 1-based): chr2:47,799,817, T>A. VCF-style: chr2-47799817-T-A. GRCh37 (hg19) VCF-style: chr2-48026956-T-A.
Other names: c.1444T>A, p.Ser482Thr (NM_001281492.2); c.928T>A, p.Ser310Thr (NM_001281493.2, NM_001281494.2); short protein forms S482T, S612T, S310T.
Identifiers: ClinVar variation 1383811 (VCV001383811.6), dbSNP rs2104370431, ClinGen allele CA346749568.

ClinVar aggregate classification (germline): Uncertain significance (1 of 4 stars; one submission).

Conditions:
Hereditary nonpolyposis colorectal neoplasms. Identifiers: MedGen C0009405, MeSH D003123.

Submission:

Labcorp Genetics (formerly Invitae), Labcorp
Classification: Uncertain significance for Hereditary nonpolyposis colorectal neoplasms. Last evaluated: 2021-09-29. Review status: criteria provided, single submitter. Criteria: Invitae Variant Classification Sherloc (09022015). Collection method: clinical testing. Allele origin: germline.
Comment: In summary, the available evidence is currently insufficient to determine the role of this variant in disease. Therefore, it has been classified as a Variant of Uncertain Significance. Advanced modeling of protein sequence and biophysical properties (such as structural, functional, and spatial information, amino acid conservation, physicochemical variation, residue mobility, and thermodynamic stability) performed at Invitae indicates that this missense variant is not expected to disrupt MSH6 protein function. This variant has not been reported in the literature in individuals affected with MSH6-related conditions. This variant is not present in population databases (ExAC no frequency). This sequence change replaces serine with threonine at codon 612 of the MSH6 protein (p.Ser612Thr). The serine residue is weakly conserved and there is a small physicochemical difference between serine and threonine.